The following is an entry in ClinVar:

NM_001164277.2(SLC37A4):c.1008T>G (p.Ala336=)

Gene: SLC37A4 (solute carrier family 37 member 4; minus strand). Cytogenetic location: 11q23.3.
Variant type: single nucleotide variant.
Coding change: c.1008T>G on transcript NM_001164277.2 (MANE Select); coding-DNA position 1008, T replaced by G.
Protein change: p.Ala336=; no amino-acid change (alanine 336 retained).
Molecular consequence: synonymous variant.
Genome position (GRCh38, 1-based): chr11:119,025,306, A>C on the plus strand (T>G on the coding strand, the complement: SLC37A4 is on the minus strand). VCF-style: chr11-119025306-A-C. GRCh37 (hg19) VCF-style: chr11-118896016-A-C.
Other names: c.1074T>G, p.Ala358= (NM_001164278.2); c.789T>G, p.Ala263= (NM_001164279.2); c.1008T>G, p.Ala336= (NM_001164280.2, NM_001467.6).
Identifiers: ClinVar variation 1082256 (VCV001082256.29), dbSNP rs782726848, ClinGen allele CA6311640.

ClinVar aggregate classification (germline): Likely benign. Review status: criteria provided, multiple submitters, no conflicts (2 of 4 stars). 4 submissions from 4 submitters: Likely benign (4). Last evaluated 2024-09-23.

Conditions:
Glucose-6-phosphate transport defect (GSD1B). Also called: GSD Ib; Glycogen Storage Disease Type Ib. Identifiers: Orphanet 364, Orphanet 79259, MedGen C0268146, MONDO:0009288, OMIM 232220.

Allele frequency attached by ClinVar (database versions not stated): ExAC 0.00001; gnomAD exomes 0.00001; gnomAD 0.00002; TOPMed 0.00002.

Submissions (4):

Blueprint Genetics
Classification: Likely benign. Last evaluated: 2024-09-23. Review status: criteria provided, single submitter. Criteria: ACMG Guidelines, 2015. Collection method: clinical testing. Allele origin: germline.

CeGaT Center for Human Genetics Tuebingen
Classification: Likely benign. Last evaluated: 2024-06-01. Review status: criteria provided, single submitter. Criteria: CeGaT Center For Human Genetics Tuebingen Variant Classification Criteria Version 2. Collection method: clinical testing. Allele origin: germline. Affected: yes. Observed: 1 variant allele.
Comment: SLC37A4: BP4, BP7

Labcorp Genetics (formerly Invitae), Labcorp
Classification: Likely benign for Glucose-6-phosphate transport defect. Last evaluated: 2024-01-31. Review status: criteria provided, single submitter. Criteria: Invitae Variant Classification Sherloc (09022015). Collection method: clinical testing. Allele origin: germline.

Breakthrough Genomics
Classification: Likely benign. Review status: criteria provided, single submitter. Criteria: ACMG Guidelines, 2015. Collection method: not provided. Allele origin: germline. Inheritance: Autosomal recessive inheritance. Affected: yes.